The following is an entry in ClinVar:

ClinVar aggregate classification (germline): Likely benign. Review status: criteria provided, multiple submitters, no conflicts (2 of 4 stars). 2 submissions from 2 submitters: Likely benign (2). Last evaluated 2025-10-18.

Conditions:
Tuberous sclerosis 2 (TSC2). Identifiers: Orphanet 805, MedGen C1860707, MONDO:0013199, OMIM 613254.

Allele frequency attached by ClinVar (database versions not stated): gnomAD 0.00001; gnomAD exomes 0.00001.
gnomAD v4.1: 4 of 1,612,368 alleles (0.00025%); highest among the groups gnomAD compares: South Asian, 0.0011%; no homozygotes.

Submissions (2):

Labcorp Genetics (formerly Invitae), Labcorp
Classification: Likely benign for Tuberous sclerosis 2. Last evaluated: 2025-10-18. Review status: criteria provided, single submitter. Criteria: Invitae Variant Classification Sherloc (09022015). Collection method: clinical testing. Allele origin: germline.

Myriad Genetics, Inc.
Classification: Likely benign for Tuberous sclerosis 2. Last evaluated: 2025-06-04. Review status: criteria provided, single submitter. Criteria: Myriad Autosomal Dominant, Autosomal Recessive and X-Linked Classification Criteria (2023). Collection method: clinical testing. Allele origin: unknown.
Comment: This variant is considered likely benign. This variant is intronic and is not expected to impact mRNA splicing.

NM_000548.5(TSC2):c.4663-6C>T

Gene: TSC2 (TSC complex subunit 2; plus strand). Cytogenetic location: 16p13.3.
Variant type: single nucleotide variant.
Coding change: c.4663-6C>T on transcript NM_000548.5 (MANE Select); 6 bases into the intron before coding-DNA position 4663, C replaced by T.
Molecular consequence: intron variant.
Genome position (GRCh38, 1-based): chr16:2,086,187, C>T. VCF-style: chr16-2086187-C-T. GRCh37 (hg19) VCF-style: chr16-2136188-C-T.
Other names: c.4594-6C>T (NM_001114382.3); c.4534-6C>T (NM_021055.3, NM_001370405.1); c.4465-6C>T (NM_001363528.2); c.4531-6C>T (NM_001370404.1); c.4462-6C>T (NM_001077183.3); c.4354-6C>T (NM_001318827.2); c.3931-6C>T (NM_001318831.2); c.4318-6C>T (NM_001318829.2); and 1 more.
Identifiers: ClinVar variation 755005 (VCV000755005.11), dbSNP rs1596437883, ClinGen allele CA915946309.